The following is an entry in ClinVar:

ClinVar aggregate classification (germline): Benign/Likely benign. Review status: criteria provided, multiple submitters, no conflicts (2 of 4 stars). 3 submissions from 3 submitters: Benign (1); Likely benign (2). Last evaluated 2025-02-05.

Conditions:
Hereditary cancer-predisposing syndrome. Also called: Hereditary neoplastic syndrome; Neoplastic Syndromes, Hereditary; Tumor predisposition; Hereditary Cancer Syndrome. Identifiers: Orphanet 140162, MedGen C0027672, MeSH D009386, MONDO:0015356.
POLD1-related polyposis and colorectal cancer syndrome (CRCS10). Also called: Colorectal cancer, susceptibility to, 10; Colorectal cancer 10; COLORECTAL CANCER, SUSCEPTIBILITY TO, ON CHROMOSOME 19q. Identifiers: Orphanet 220460, MedGen C2675481, MONDO:0012953, OMIM 612591.

Submissions (3):

Myriad Genetics, Inc.
Classification: Benign for POLD1-related polyposis and colorectal cancer syndrome. Last evaluated: 2025-02-05. Review status: criteria provided, single submitter. Criteria: Myriad Autosomal Dominant, Autosomal Recessive and X-Linked Classification Criteria (2023). Collection method: clinical testing. Allele origin: unknown.
Comment: This variant is considered benign. This variant is a silent/synonymous amino acid change and it is not expected to impact splicing.

Labcorp Genetics (formerly Invitae), Labcorp
Classification: Likely benign for POLD1-related polyposis and colorectal cancer syndrome. Last evaluated: 2022-11-09. Review status: criteria provided, single submitter. Criteria: Invitae Variant Classification Sherloc (09022015). Collection method: clinical testing. Allele origin: germline.

Ambry Genetics
Classification: Likely benign for Hereditary cancer-predisposing syndrome. Last evaluated: 2020-07-18. Review status: criteria provided, single submitter. Criteria: Ambry Variant Classification Scheme 2023. Collection method: clinical testing. Allele origin: germline.

NM_002691.4(POLD1):c.1095T>C (p.Gly365=)

Gene: POLD1 (DNA polymerase delta 1, catalytic subunit; plus strand). Cytogenetic location: 19q13.33.
Variant type: single nucleotide variant.
Coding change: c.1095T>C on transcript NM_002691.4 (MANE Select); coding-DNA position 1095, T replaced by C.
Protein change: p.Gly365=; no amino-acid change (glycine 365 retained).
Molecular consequence: synonymous variant. On other transcripts: non-coding transcript variant (1).
Genome position (GRCh38, 1-based): chr19:50,403,177, T>C. VCF-style: chr19-50403177-T-C. GRCh37 (hg19) VCF-style: chr19-50906434-T-C.
Other names: c.1095T>C, p.Gly365= (NM_001256849.1, NM_001308632.1).
Identifiers: ClinVar variation 1161130 (VCV001161130.12), dbSNP rs1057522748, ClinGen allele CA508182730.
Genomic context (GRCh38, chr19:50,403,177, plus strand): 5'-GGAGCCGGAGCCCTTCCTACGCCTGGCGCTCACCCTGCGGCCCTGTGCCCCCATCCTGGG[T>C]GCCAAGGTGCAGAGCTACGAGAAGGAGGAGGACCTGCTGCAGGTAGCTCTCGCTCCACGC-3'
Protein context (NP_002682.2, residues 355-375): LTLRPCAPIL[Gly365=]AKVQSYEKEE